The following is an entry in ClinVar:

ClinVar aggregate classification (germline): Conflicting classifications of pathogenicity. Review status: criteria provided, conflicting classifications (1 of 4 stars). 2 submissions from 2 submitters: Pathogenic (1); Uncertain significance (1). Last evaluated 2025-06-24.

Conditions:
Hypertrophic cardiomyopathy. Also called: HYPERTROPHIC MYOCARDIOPATHY. Identifiers: Orphanet 217569, MedGen C0007194, MeSH D002312, MONDO:0005045, HP:0001639.

Submissions (2):

Labcorp Genetics (formerly Invitae), Labcorp
Classification: Uncertain significance for Hypertrophic cardiomyopathy. Last evaluated: 2025-06-24. Review status: criteria provided, single submitter. Criteria: Invitae Variant Classification Sherloc (09022015). Collection method: clinical testing. Allele origin: germline.
Comment: This sequence change falls in intron 29 of the MYBPC3 gene. It does not directly change the encoded amino acid sequence of the MYBPC3 protein. It affects a nucleotide within the consensus splice site. This variant is not present in population databases (gnomAD no frequency). This variant has not been reported in the literature in individuals affected with MYBPC3-related conditions. ClinVar contains an entry for this variant (Variation ID: 419467). Variants that disrupt the consensus splice site are a relatively common cause of aberrant splicing (PMID: 17576681, 9536098). Algorithms developed to predict the effect of sequence changes on RNA splicing suggest that this variant may disrupt the consensus splice site. In summary, the available evidence is currently insufficient to determine the role of this variant in disease. Therefore, it has been classified as a Variant of Uncertain Significance.

GeneDx
Classification: Pathogenic. Last evaluated: 2015-07-10. Review status: criteria provided, single submitter. Criteria: GeneDx Variant Classification (06012015). Collection method: clinical testing. Allele origin: germline. Affected: yes.
Comment: Although the c.3191-3 C>G variant has not been reported as a pathogenic variant or as a benignpolymorphism to our knowledge, this variant is predicted to destroy the splice acceptor site in intron 29and cause abnormal gene splicing. The variant is predicted to lead to either an abnormal message that issubject to nonsense-mediated mRNA decay, or to an abnormal protein product if the message is used forprotein translation. Other splice site variants in the MYBPC3 gene have been reported in HGMD inassociation with HCM (Stenson P et al., 2014). Furthermore, the c.3191-3 C>G variant was not observedin approximately 6100 individuals of European and African American ancestry in the NHLBI ExomeSequencing Project, indicating it is not a common benign variant in these populations. Therefore, we consider the c.3191-3 C>G variant to be pathogenic.

Literature cited by the submitters: PubMed 17576681 (cited by Labcorp Genetics (formerly Invitae), Labcorp); PubMed 9536098 (cited by Labcorp Genetics (formerly Invitae), Labcorp).

NC_000011.10:g.47333336G>C

Gene: MYBPC3 (myosin binding protein C3; minus strand). Cytogenetic location: 11p11.2.
Variant type: single nucleotide variant.
Genome position: GRCh38 VCF-style: chr11-47333336-G-C. GRCh37 (hg19) VCF-style: chr11-47354887-G-C.
Other names: c.3191-3C>G (LRG_386t1, NM_000256.3).
Identifiers: ClinVar variation 419467 (VCV000419467.10), dbSNP rs1064793891, ClinGen allele CA16619334.